The following is an entry in ClinVar:

ClinVar aggregate classification (germline): Uncertain significance (1 of 4 stars; one submission).

Conditions:
Biotin-responsive basal ganglia disease (BTBGD). Also called: Thiamine Transporter-2 Deficiency; THIAMINE METABOLISM DYSFUNCTION SYNDROME 2 (BIOTIN- AND THIAMINE-RESPONSIVE TYPE); Thiamine metabolism dysfunction syndrome 2 (biotin- or thiamine-responsive encephalopathy type 2); thiamine-responsive encephalopathy; Thiamine metabolism dysfunction syndrome type 2. Identifiers: Orphanet 199348, Orphanet 65284, MedGen C1843807, MONDO:0011841, OMIM 607483.

Allele frequency attached by ClinVar (database versions not stated): TOPMed below 0.00001.
gnomAD v4.1: 8 of 1,613,646 alleles (0.0005%); highest among the groups gnomAD compares: South Asian, 0.0011%; no homozygotes.

Submission:

Labcorp Genetics (formerly Invitae), Labcorp
Classification: Uncertain significance for Biotin-responsive basal ganglia disease. Last evaluated: 2022-03-29. Review status: criteria provided, single submitter. Criteria: Invitae Variant Classification Sherloc (09022015). Collection method: clinical testing. Allele origin: germline.
Comment: This sequence change replaces proline, which is neutral and non-polar, with leucine, which is neutral and non-polar, at codon 37 of the SLC19A3 protein (p.Pro37Leu). This variant is not present in population databases (gnomAD no frequency). This variant has not been reported in the literature in individuals affected with SLC19A3-related conditions. Algorithms developed to predict the effect of missense changes on protein structure and function output the following: SIFT: "Tolerated"; PolyPhen-2: "Benign"; Align-GVGD: "Class C0". The leucine amino acid residue is found in multiple mammalian species, which suggests that this missense change does not adversely affect protein function. In summary, the available evidence is currently insufficient to determine the role of this variant in disease. Therefore, it has been classified as a Variant of Uncertain Significance.

NM_025243.4(SLC19A3):c.110C>T (p.Pro37Leu)

Gene: SLC19A3 (solute carrier family 19 member 3; minus strand). Cytogenetic location: 2q36.3.
Variant type: single nucleotide variant.
Coding change: c.110C>T on transcript NM_025243.4 (MANE Select); coding-DNA position 110, C replaced by T.
Protein change: p.Pro37Leu; replaces proline 37 with leucine.
Molecular consequence: missense variant. On other transcripts: 5 prime UTR variant (2).
Genome position (GRCh38, 1-based): chr2:227,702,209, G>A on the plus strand (C>T on the coding strand, the complement: SLC19A3 is on the minus strand). VCF-style: chr2-227702209-G-A. GRCh37 (hg19) VCF-style: chr2-228566925-G-A.
Other names: c.110C>T, p.Pro37Leu (NM_001371411.1, NM_001371412.1); c.-99C>T (NM_001371413.1, NM_001371414.1); short protein forms P37L.
Identifiers: ClinVar variation 2419594 (VCV002419594.4), dbSNP rs759094678, ClinGen allele CA350877920.